The following is an entry in ClinVar:

NM_015150.2(RFTN1):c.699C>T (p.Leu233=)

Gene: RFTN1 (raftlin, lipid raft linker 1; minus strand). Cytogenetic location: 3p24.3.
Variant type: single nucleotide variant.
Coding change: c.699C>T on transcript NM_015150.2 (MANE Select); coding-DNA position 699, C replaced by T.
Protein change: p.Leu233=; no amino-acid change (leucine 233 retained).
Molecular consequence: synonymous variant.
Genome position (GRCh38, 1-based): chr3:16,377,845, G>A on the plus strand (C>T on the coding strand, the complement: RFTN1 is on the minus strand). VCF-style: chr3-16377845-G-A. GRCh37 (hg19) VCF-style: chr3-16419352-G-A.
Identifiers: ClinVar variation 2653608 (VCV002653608.24), dbSNP rs61739728, ClinGen allele CA2279917.

ClinVar aggregate classification (germline): Likely benign (1 of 4 stars; one submission).

Allele frequency attached by ClinVar (database versions not stated): 1000 Genomes Project 30x 0.00203; 1000 Genomes Project 0.00220; gnomAD 0.00548; TOPMed 0.00552; ESP Exome Variant Server 0.00607; ExAC 0.00620; gnomAD exomes 0.00792.
gnomAD v4.1: 12,356 of 1,614,190 alleles (0.77%); highest among the groups gnomAD compares: Middle Eastern, 1.2%; 65 homozygotes.

Submission:

CeGaT Center for Human Genetics Tuebingen
Classification: Likely benign. Last evaluated: 2022-12-01. Review status: criteria provided, single submitter. Criteria: CeGaT Center For Human Genetics Tuebingen Variant Classification Criteria Version 2. Collection method: clinical testing. Allele origin: germline. Affected: yes. Observed: 1 variant allele.
Comment: RFTN1: BP4, BP7, BS2